The following is an entry in ClinVar:

NM_001291415.2(KDM6A):c.1965T>G (p.Ser655Arg)

Gene: KDM6A (lysine demethylase 6A; plus strand). Cytogenetic location: Xp11.3.
Variant type: single nucleotide variant.
Coding change: c.1965T>G on transcript NM_001291415.2 (MANE Select); coding-DNA position 1965, T replaced by G.
Protein change: p.Ser655Arg; replaces serine 655 with arginine.
Molecular consequence: missense variant. On other transcripts: non-coding transcript variant (1).
Genome position (GRCh38, 1-based): chrX:45,063,703, T>G. VCF-style: chrX-45063703-T-G. GRCh37 (hg19) VCF-style: chrX-44922948-T-G.
Other names: c.1707T>G, p.Ser569Arg (NM_001410742.1, NM_001419814.1); c.1965T>G, p.Ser655Arg (NM_001419809.1); c.1863T>G, p.Ser621Arg (NM_001419810.1, NM_001419813.1); c.1830T>G, p.Ser610Arg (NM_001419811.1, NM_001291416.2); c.1809T>G, p.Ser603Arg (NM_001419812.1, NM_021140.4); c.1572T>G, p.Ser524Arg (NM_001419815.1, NM_001291418.2); c.1674T>G, p.Ser558Arg (NM_001291417.2); c.921T>G, p.Ser307Arg (NM_001291421.2); short protein forms S621R, S524R, S603R, S610R, S655R, S307R, S558R, S569R.
Identifiers: ClinVar variation 3700354 (VCV003700354.2).

ClinVar aggregate classification (germline): Uncertain significance (1 of 4 stars; one submission).

Conditions:
Kabuki syndrome 2 (KABUK2). Also called: KDM6A-Related Kabuki Syndrome. Identifiers: Orphanet 2322, MedGen C3275495, MONDO:0010465, OMIM 300867.

Submission:

Labcorp Genetics (formerly Invitae), Labcorp
Classification: Uncertain significance for Kabuki syndrome 2. Last evaluated: 2024-11-03. Review status: criteria provided, single submitter. Criteria: Invitae Variant Classification Sherloc (09022015). Collection method: clinical testing. Allele origin: germline.
Comment: This sequence change replaces serine, which is neutral and polar, with arginine, which is basic and polar, at codon 603 of the KDM6A protein (p.Ser603Arg). This variant is not present in population databases (gnomAD no frequency). This variant has not been reported in the literature in individuals affected with KDM6A-related conditions. Invitae Evidence Modeling of protein sequence and biophysical properties (such as structural, functional, and spatial information, amino acid conservation, physicochemical variation, residue mobility, and thermodynamic stability) indicates that this missense variant is not expected to disrupt KDM6A protein function with a negative predictive value of 80%. In summary, the available evidence is currently insufficient to determine the role of this variant in disease. Therefore, it has been classified as a Variant of Uncertain Significance.